The following is an entry in ClinVar:

NM_005589.4(ALDH6A1):c.1532C>A (p.Thr511Asn)

Genes: ALDH6A1 (aldehyde dehydrogenase 6 family member A1; minus strand), BBOF1 (basal body orientation factor 1; plus strand). Cytogenetic location: 14q24.3.
Variant type: single nucleotide variant.
Coding change: c.1532C>A on transcript NM_005589.4 (MANE Select); coding-DNA position 1532, C replaced by A.
Protein change: p.Thr511Asn; replaces threonine 511 with asparagine.
Molecular consequence: missense variant. On other transcripts: intron variant (1).
Genome position (GRCh38, 1-based): chr14:74,060,718, G>T on the plus strand (C>A on the coding strand, the complement: ALDH6A1 is on the minus strand). VCF-style: chr14-74060718-G-T. GRCh37 (hg19) VCF-style: chr14-74527421-G-T.
Other names: c.1493C>A, p.Thr498Asn (NM_001278593.2); c.1070C>A, p.Thr357Asn (NM_001278594.2); c.1578+3460G>T (NM_025057.3); short protein forms T498N, T511N, T357N.
Identifiers: ClinVar variation 1487052 (VCV001487052.6), dbSNP rs1462444890, ClinGen allele CA390365615.
Genomic context (GRCh38, chr14:74,060,718, plus strand): 5'-GGCATGACAACAGCAGGTGAGGAAAGAGTAGCATCTTCTTCTTTCCACTGAGAAGTAATG[G>T]TCTTTAACTGAGTGTAGAATTGGATGCCCTAAGGAAAACAGAAAAAAAGTTAGCATATAT-3'
Protein context (NP_005580.1, residues 501-521): QGIQFYTQLK[Thr511Asn]ITSQWKEEDA

ClinVar aggregate classification (germline): Uncertain significance (1 of 4 stars; one submission).

gnomAD v4.1: 2 of 1,613,408 alleles (0.00012%); highest among the groups gnomAD compares: Non-Finnish European, 0.00017%; no homozygotes.

Submission:

Labcorp Genetics (formerly Invitae), Labcorp
Classification: Uncertain significance. Last evaluated: 2024-04-05. Review status: criteria provided, single submitter. Criteria: Invitae Variant Classification Sherloc (09022015). Collection method: clinical testing. Allele origin: germline.
Comment: This sequence change replaces threonine, which is neutral and polar, with asparagine, which is neutral and polar, at codon 511 of the ALDH6A1 protein (p.Thr511Asn). This variant is not present in population databases (gnomAD no frequency). This variant has not been reported in the literature in individuals affected with ALDH6A1-related conditions. ClinVar contains an entry for this variant (Variation ID: 1487052). Advanced modeling of protein sequence and biophysical properties (such as structural, functional, and spatial information, amino acid conservation, physicochemical variation, residue mobility, and thermodynamic stability) performed at Invitae indicates that this missense variant is not expected to disrupt ALDH6A1 protein function with a negative predictive value of 95%. In summary, the available evidence is currently insufficient to determine the role of this variant in disease. Therefore, it has been classified as a Variant of Uncertain Significance.